The following is an entry in ClinVar:

ClinVar aggregate classification (germline): Likely pathogenic (1 of 4 stars; one submission).

Conditions:
Rhabdoid tumor predisposition syndrome 2 (RTPS2). Identifiers: Orphanet 231108, Orphanet 69077, MedGen C2750074, MONDO:0013224, OMIM 613325.

Submission:

Labcorp Genetics (formerly Invitae), Labcorp
Classification: Likely pathogenic for Rhabdoid tumor predisposition syndrome 2. Last evaluated: 2025-06-03. Review status: criteria provided, single submitter. Criteria: Invitae Variant Classification Sherloc (09022015). Collection method: clinical testing. Allele origin: germline.
Comment: This sequence change affects an acceptor splice site in intron 9 of the SMARCA4 gene. RNA analysis indicates that disruption of this splice site induces altered splicing and may result in an absent or altered protein product. This variant is not present in population databases (gnomAD no frequency). This variant has not been reported in the literature in individuals affected with SMARCA4-related conditions. Studies have shown that disruption of this splice site results in activation of cryptic splice site, and produces a non-functional protein and/or introduces a premature termination codon (internal data). In summary, the currently available evidence indicates that the variant is pathogenic, but additional data are needed to prove that conclusively. Therefore, this variant has been classified as Likely Pathogenic.

NM_003072.5(SMARCA4):c.1594-2A>T

Gene: SMARCA4 (SWI/SNF related BAF chromatin remodeling complex subunit ATPase 4; plus strand). Cytogenetic location: 19p13.2.
Variant type: single nucleotide variant.
Coding change: c.1594-2A>T on transcript NM_003072.5 (MANE Select); the canonical splice acceptor site of the intron before coding-DNA position 1594, A replaced by T.
Molecular consequence: splice acceptor variant.
Genome position (GRCh38, 1-based): chr19:10,996,211, A>T. VCF-style: chr19-10996211-A-T. GRCh37 (hg19) VCF-style: chr19-11106887-A-T.
Other names: c.1594-2A>T (NM_001128844.3, NM_001128849.3, NM_001128847.4 and 6 more transcripts).
Identifiers: ClinVar variation 4720640 (VCV004720640.1).